The following is an entry in ClinVar:

ClinVar aggregate classification (germline): Uncertain significance. Review status: criteria provided, multiple submitters, no conflicts (2 of 4 stars). 3 submissions from 3 submitters: Uncertain significance (2). 1 of the submissions does not count toward it. Last evaluated 2022-08-02.

Conditions:
Usher syndrome type 1F (USH1F). Also called: USHER SYNDROME, TYPE IF. Identifiers: Orphanet 231169, Orphanet 886, MedGen C1865885, MONDO:0011186, OMIM 602083.

Allele frequency attached by ClinVar (database versions not stated): gnomAD exomes below 0.00001; gnomAD 0.00001.
gnomAD v4.1: 2 of 1,613,442 alleles (0.00012%); highest among the groups gnomAD compares: Admixed American, 0.0017%; no homozygotes.

Submissions (3):

Labcorp Genetics (formerly Invitae), Labcorp
Classification: Uncertain significance. Last evaluated: 2022-08-02. Review status: criteria provided, single submitter. Criteria: Invitae Variant Classification Sherloc (09022015). Collection method: clinical testing. Allele origin: germline.
Comment: This sequence change replaces proline, which is neutral and non-polar, with leucine, which is neutral and non-polar, at codon 374 of the PCDH15 protein (p.Pro374Leu). This variant is not present in population databases (gnomAD no frequency). This variant has not been reported in the literature in individuals affected with PCDH15-related conditions. ClinVar contains an entry for this variant (Variation ID: 46435). Algorithms developed to predict the effect of missense changes on protein structure and function are either unavailable or do not agree on the potential impact of this missense change (SIFT: "Deleterious"; PolyPhen-2: "Probably Damaging"; Align-GVGD: "Class C0"). In summary, the available evidence is currently insufficient to determine the role of this variant in disease. Therefore, it has been classified as a Variant of Uncertain Significance.

Laboratory for Molecular Medicine, Mass General Brigham Personalized Medicine
Classification: Uncertain significance. Last evaluated: 2017-06-20. Review status: criteria provided, single submitter. Criteria: LMM Criteria. Collection method: clinical testing. Allele origin: germline. Observed: 3 variant alleles.
Comment: This variant has not been identified in large population studies. Computational prediction tools and conservation analyses suggest that this variant may impact the protein, though this information is not predictive enough to determine patho genicity. In summary, the clinical significance of the p.Pro374Leu variant is uncertain.

Natera, Inc.
Classification: Uncertain significance for Usher syndrome type 1F. Last evaluated: 2021-03-22. Review status: no assertion criteria provided. Collection method: clinical testing. Allele origin: germline. Not counted in ClinVar's aggregate classification.

NM_001384140.1(PCDH15):c.1121C>T (p.Pro374Leu)

Gene: PCDH15 (protocadherin related 15; minus strand). Cytogenetic location: 10q21.1.
Variant type: single nucleotide variant.
Coding change: c.1121C>T on transcript NM_001384140.1 (MANE Select); coding-DNA position 1121, C replaced by T.
Protein change: p.Pro374Leu; replaces proline 374 with leucine.
Molecular consequence: missense variant.
Genome position (GRCh38, 1-based): chr10:54,195,867, G>A on the plus strand (C>T on the coding strand, the complement: PCDH15 is on the minus strand). VCF-style: chr10-54195867-G-A. GRCh37 (hg19) VCF-style: chr10-55955627-G-A.
Other names: c.1136C>T, p.Pro379Leu (NM_001142763.2, NM_001142769.4, NM_001142771.2); c.1121C>T, p.Pro374Leu (NM_001142764.2, NM_001142765.2, NM_001142766.2 and 7 more transcripts); c.1010C>T, p.Pro337Leu (NM_001142767.2); c.1055C>T, p.Pro352Leu (NM_001142768.2, NM_001142773.2, NM_001354404.2); short protein forms P374L, P337L, P352L, P379L.
Identifiers: ClinVar variation 46435 (VCV000046435.11), dbSNP rs397517449, ClinGen allele CA138358.